The following is an entry in ClinVar:

ClinVar aggregate classification (germline): Uncertain significance (1 of 4 stars; one submission).

Conditions:
Hypercholesterolemia, autosomal dominant, 3 (FHCL3). Also called: Familial Hypercholesterolemia, Autosomal Dominant, 3; PCSK9-Related Familial Hypercholesterolemia, Autosomal Dominant; Familial hypercholesterolemia 3. Identifiers: MedGen C1863551, MONDO:0011369, OMIM 603776.

Submission:

Labcorp Genetics (formerly Invitae), Labcorp
Classification: Uncertain significance for Hypercholesterolemia, autosomal dominant, 3. Last evaluated: 2025-08-04. Review status: criteria provided, single submitter. Criteria: Invitae Variant Classification Sherloc (09022015). Collection method: clinical testing. Allele origin: germline.
Comment: This sequence change replaces cysteine, which is neutral and slightly polar, with tyrosine, which is neutral and polar, at codon 654 of the PCSK9 protein (p.Cys654Tyr). This variant is not present in population databases (gnomAD no frequency). This variant has not been reported in the literature in individuals affected with PCSK9-related conditions. Invitae Evidence Modeling of protein sequence and biophysical properties (such as structural, functional, and spatial information, amino acid conservation, physicochemical variation, residue mobility, and thermodynamic stability) has been performed for this missense variant. However, the output from this modeling did not meet the statistical confidence thresholds required to predict the impact of this variant on PCSK9 protein function. Algorithms developed to predict the effect of sequence changes on RNA splicing suggest that this variant may create or strengthen a splice site. In summary, the available evidence is currently insufficient to determine the role of this variant in disease. Therefore, it has been classified as a Variant of Uncertain Significance.

NM_174936.4(PCSK9):c.1961G>A (p.Cys654Tyr)

Gene: PCSK9 (proprotein convertase subtilisin/kexin type 9; plus strand). Cytogenetic location: 1p32.3.
Variant type: single nucleotide variant.
Coding change: c.1961G>A on transcript NM_174936.4 (MANE Select); coding-DNA position 1961, G replaced by A.
Protein change: p.Cys654Tyr; replaces cysteine 654 with tyrosine.
Molecular consequence: missense variant. On other transcripts: non-coding transcript variant (8).
Genome position (GRCh38, 1-based): chr1:55,063,466, G>A. VCF-style: chr1-55063466-G-A. GRCh37 (hg19) VCF-style: chr1-55529139-G-A.
Other names: c.2084G>A, p.Cys695Tyr (NM_001407240.1); c.2003G>A, p.Cys668Tyr (NM_001407241.1); c.1964G>A, p.Cys655Tyr (NM_001407242.1); c.1904G>A, p.Cys635Tyr (NM_001407243.1); c.1787G>A, p.Cys596Tyr (NM_001407244.1); c.1769G>A, p.Cys590Tyr (NM_001407245.1); c.1586G>A, p.Cys529Tyr (NM_001407246.1); c.1460G>A, p.Cys487Tyr (NM_001407247.1); short protein forms C596Y, C655Y, C668Y, C695Y, C487Y, C529Y, C635Y, C654Y.
Identifiers: ClinVar variation 4745537 (VCV004745537.1).